The following is an entry in ClinVar:

ClinVar aggregate classification (germline): Pathogenic (0 of 4 stars; one submission).

Conditions:
Alkaptonuria (AKU). Also called: Alkaptonuric ochronosis; Homogentisic acidura; HOMOGENTISIC ACID OXIDASE DEFICIENCY; Alcaptonuria. Identifiers: Orphanet 56, MedGen C0002066, MONDO:0008753, OMIM 203500.

Submission:

Department Of Human Genetics, Institute Of Clinical And Translational Research, Biomedical Research Center, Slovak Academy Of Sciences
Classification: Pathogenic for Alkaptonuria. Review status: no assertion criteria provided. Collection method: research. Allele origin: germline. Inheritance: Autosomal recessive inheritance. Observed: 3 variant alleles.
Comment: The variant was originally described in PMID:33746036. It has been submitted to the HGD gene mutation database (DB-ID: AKU_00239).

Literature cited by the submitters: PubMed 33746036.

NM_000187.4(HGD):c.189G>A (p.Arg63=)

Gene: HGD (homogentisate 1,2-dioxygenase; minus strand). Cytogenetic location: 3q13.33.
Variant type: single nucleotide variant.
Coding change: c.189G>A on transcript NM_000187.4 (MANE Select); coding-DNA position 189, G replaced by A.
Protein change: p.Arg63=; no amino-acid change (arginine 63 retained).
Molecular consequence: synonymous variant.
Genome position (GRCh38, 1-based): chr3:120,670,520, C>T on the plus strand (G>A on the coding strand, the complement: HGD is on the minus strand). VCF-style: chr3-120670520-C-T. GRCh37 (hg19) VCF-style: chr3-120389367-C-T.
Identifiers: ClinVar variation 2584767 (VCV002584767.2), dbSNP rs1390061303, ClinGen allele CA435229807.